The following is an entry in ClinVar:

ClinVar aggregate classification (germline): Uncertain significance. Review status: criteria provided, multiple submitters, no conflicts (2 of 4 stars). 2 submissions from 2 submitters: Uncertain significance (2). Last evaluated 2023-12-06.

Conditions:
Hereditary cancer-predisposing syndrome. Also called: Hereditary Cancer Syndrome; Neoplastic Syndromes, Hereditary; Tumor predisposition; Hereditary neoplastic syndrome. Identifiers: Orphanet 140162, MedGen C0027672, MeSH D009386, MONDO:0015356.
Cardiovascular phenotype. Identifiers: MedGen CN230736.
Neurofibromatosis, type 1 (NF1). Also called: VON RECKLINGHAUSEN DISEASE; Peripheral type neurofibromatosis; Neurofibromatosis, type I; NEUROFIBROMATOSIS, TYPE I, SOMATIC. Identifiers: Orphanet 636, MedGen C0027831, MONDO:0018975, OMIM 162200. Disease mechanism: loss of function.

Submissions (2):

Ambry Genetics
Classification: Uncertain significance for Cardiovascular phenotype; Hereditary cancer-predisposing syndrome. Last evaluated: 2023-12-06. Review status: criteria provided, single submitter. Criteria: Ambry Variant Classification Scheme 2023. Collection method: clinical testing. Allele origin: germline.
Comment: The p.E924D variant (also known as c.2772A>C), located in coding exon 21 of the NF1 gene, results from an A to C substitution at nucleotide position 2772. The glutamic acid at codon 924 is replaced by aspartic acid, an amino acid with highly similar properties. This amino acid position is highly conserved in available vertebrate species. In addition, this alteration is predicted to be deleterious by in silico analysis. Since supporting evidence is limited at this time, the clinical significance of this alteration remains unclear.

Labcorp Genetics (formerly Invitae), Labcorp
Classification: Uncertain significance for Neurofibromatosis, type 1. Last evaluated: 2021-05-04. Review status: criteria provided, single submitter. Criteria: Invitae Variant Classification Sherloc (09022015). Collection method: clinical testing. Allele origin: germline.
Comment: Algorithms developed to predict the effect of missense changes on protein structure and function are either unavailable or do not agree on the potential impact of this missense change (SIFT: "Deleterious"; PolyPhen-2: "Probably Damaging"; Align-GVGD: "Class C0"). In summary, the available evidence is currently insufficient to determine the role of this variant in disease. Therefore, it has been classified as a Variant of Uncertain Significance. This variant has not been reported in the literature in individuals with NF1-related conditions. This variant is not present in population databases (ExAC no frequency). This sequence change replaces glutamic acid with aspartic acid at codon 924 of the NF1 protein (p.Glu924Asp). The glutamic acid residue is highly conserved and there is a small physicochemical difference between glutamic acid and aspartic acid.

NM_001042492.3(NF1):c.2772A>C (p.Glu924Asp)

Gene: NF1 (neurofibromin 1; plus strand). Cytogenetic location: 17q11.2.
Variant type: single nucleotide variant.
Coding change: c.2772A>C on transcript NM_001042492.3 (MANE Select); coding-DNA position 2772, A replaced by C.
Protein change: p.Glu924Asp; replaces glutamic acid 924 with aspartic acid.
Molecular consequence: missense variant.
Genome position (GRCh38, 1-based): chr17:31,229,387, A>C. VCF-style: chr17-31229387-A-C. GRCh37 (hg19) VCF-style: chr17-29556405-A-C.
Other names: c.2772A>C, p.Glu924Asp (NM_000267.4); short protein forms E924D.
Identifiers: ClinVar variation 1351234 (VCV001351234.9), dbSNP rs2151429630, ClinGen allele CA398985501.
Genomic context (GRCh38, chr17:31,229,387, plus strand): 5'-TAACCATGAGAAAGTGGGACTTCAAATACGGACCAATGTTAAGGATCTGGTGGGTCTAGA[A>C]TTGAGTCCTGCTCTGTATCCAATGCTATTTAACAAATTGAAGAATACCATCAGCAAGTTT-3'
Protein context (NP_001035957.1, residues 914-934): RTNVKDLVGL[Glu924Asp]LSPALYPMLF